The following is an entry in ClinVar:

ClinVar aggregate classification (germline): Uncertain significance. Review status: criteria provided, multiple submitters, no conflicts (2 of 4 stars). 2 submissions from 2 submitters: Uncertain significance (2). Last evaluated 2025-03-23.

Conditions:
Primary ciliary dyskinesia. Also called: Ciliary dyskinesia. Identifiers: Orphanet 244, MedGen C0008780, MONDO:0016575, HP:0012265.

Allele frequency attached by ClinVar (database versions not stated): ExAC 0.00002; gnomAD exomes 0.00002 and 0.00003.
gnomAD v4.1: 11 of 1,614,076 alleles (0.00068%); highest among the groups gnomAD compares: Admixed American, 0.015%; no homozygotes.

Submissions (2):

Ambry Genetics
Classification: Uncertain significance for Primary ciliary dyskinesia. Last evaluated: 2025-03-23. Review status: criteria provided, single submitter. Criteria: Ambry Variant Classification Scheme 2023. Collection method: clinical testing. Allele origin: germline.
Comment: The p.A710S variant (also known as c.2128G>T), located in coding exon 12 of the DNAAF1 gene, results from a G to T substitution at nucleotide position 2128. The alanine at codon 710 is replaced by serine, an amino acid with similar properties. This amino acid position is conserved. In addition, this alteration is predicted to be tolerated by in silico analysis. Based on the available evidence, the clinical significance of this variant remains unclear.

Labcorp Genetics (formerly Invitae), Labcorp
Classification: Uncertain significance for Primary ciliary dyskinesia. Last evaluated: 2023-06-15. Review status: criteria provided, single submitter. Criteria: Invitae Variant Classification Sherloc (09022015). Collection method: clinical testing. Allele origin: germline.
Comment: In summary, the available evidence is currently insufficient to determine the role of this variant in disease. Therefore, it has been classified as a Variant of Uncertain Significance. An algorithm developed to predict the effect of missense changes on protein structure and function (PolyPhen-2) suggests that this variant is likely to be tolerated. ClinVar contains an entry for this variant (Variation ID: 242163). This variant has not been reported in the literature in individuals affected with DNAAF1-related conditions. This variant is present in population databases (rs552601600, gnomAD 0.02%). This sequence change replaces alanine, which is neutral and non-polar, with serine, which is neutral and polar, at codon 710 of the DNAAF1 protein (p.Ala710Ser).

NM_178452.6(DNAAF1):c.2128G>T (p.Ala710Ser)

Gene: DNAAF1 (dynein axonemal assembly factor 1; plus strand). Cytogenetic location: 16q24.1.
Variant type: single nucleotide variant.
Coding change: c.2128G>T on transcript NM_178452.6 (MANE Select); coding-DNA position 2128, G replaced by T.
Protein change: p.Ala710Ser; replaces alanine 710 with serine.
Molecular consequence: missense variant.
Genome position (GRCh38, 1-based): chr16:84,177,791, G>T. VCF-style: chr16-84177791-G-T. GRCh37 (hg19) VCF-style: chr16-84211397-G-T.
Other names: c.1420G>T, p.Ala474Ser (NM_001318756.1); short protein forms A710S, A474S.
Identifiers: ClinVar variation 242163 (VCV000242163.10), dbSNP rs552601600, ClinGen allele CA8203177.